The following is an entry in ClinVar:

NM_000138.5(FBN1):c.5382A>G (p.Pro1794=)

Gene: FBN1 (fibrillin 1; minus strand). Cytogenetic location: 15q21.1.
Variant type: single nucleotide variant.
Coding change: c.5382A>G on transcript NM_000138.5 (MANE Select); coding-DNA position 5382, A replaced by G.
Protein change: p.Pro1794=; no amino-acid change (proline 1794 retained).
Molecular consequence: synonymous variant.
Genome position (GRCh38, 1-based): chr15:48,456,677, T>C on the plus strand (A>G on the coding strand, the complement: FBN1 is on the minus strand). VCF-style: chr15-48456677-T-C. GRCh37 (hg19) VCF-style: chr15-48748874-T-C.
Other names: c.5382A>G, p.Pro1794= (NM_001406716.1).
Identifiers: ClinVar variation 2773335 (VCV002773335.5), dbSNP rs777460910, ClinGen allele CA054770.

ClinVar aggregate classification (germline): Likely benign. Review status: criteria provided, multiple submitters, no conflicts (2 of 4 stars). 4 submissions from 4 submitters: Likely benign (4). Last evaluated 2025-07-16.

Conditions:
Marfan syndrome (MFS). Also called: FBN1-Related Marfan Syndrome; MARFAN SYNDROME, TYPE I; Marfan syndrome type 1; Marfan's syndrome; Marfan syndrome, classic. Identifiers: Orphanet 284963, Orphanet 558, MedGen C0024796, MONDO:0007947, OMIM 154700.
Familial thoracic aortic aneurysm and aortic dissection (TAAD). Also called: Thoracic aortic aneurysms and dissections. Identifiers: Orphanet 91387, MedGen C4707243, MONDO:0019625.

Allele frequency attached by ClinVar (database versions not stated): gnomAD 0.00001; gnomAD exomes 0.00001; TOPMed 0.00002; ExAC 0.00001.
gnomAD v4.1: 9 of 1,613,906 alleles (0.00056%); highest among the groups gnomAD compares: Admixed American, 0.0017%; no homozygotes.

Submissions (4):

Labcorp Genetics (formerly Invitae), Labcorp
Classification: Likely benign for Marfan syndrome; Familial thoracic aortic aneurysm and aortic dissection. Last evaluated: 2025-07-16. Review status: criteria provided, single submitter. Criteria: Invitae Variant Classification Sherloc (09022015). Collection method: clinical testing. Allele origin: germline.

Ambry Genetics
Classification: Likely benign for Familial thoracic aortic aneurysm and aortic dissection. Last evaluated: 2024-05-19. Review status: criteria provided, single submitter. Criteria: Ambry Variant Classification Scheme 2023. Collection method: clinical testing. Allele origin: germline.

All of Us Research Program, National Institutes of Health
Classification: Likely benign for Marfan syndrome. Last evaluated: 2023-04-24. Review status: criteria provided, single submitter. Criteria: ACMG Guidelines, 2015. Collection method: clinical testing. Allele origin: germline. Inheritance: Autosomal dominant inheritance. Observed: 1 variant allele, 1 heterozygote.
Comment: This study involves interpretation of variants in research participants for the purpose of population health screening. Participant phenotype was not available at the time of variant classification. Additional details can be found in publication PMID: 35346344, PMCID: PMC8962531

Color Diagnostics, LLC DBA Color Health
Classification: Likely benign for Familial thoracic aortic aneurysm and aortic dissection. Last evaluated: 2023-02-22. Review status: criteria provided, single submitter. Criteria: ACMG Guidelines, 2015. Collection method: clinical testing. Allele origin: germline.